The following is an entry in ClinVar:

NM_022173.4(TIA1):c.794C>G (p.Ala265Gly)

Gene: TIA1 (TIA1 cytotoxic granule associated RNA binding protein; minus strand). Cytogenetic location: 2p13.3.
Variant type: single nucleotide variant.
Coding change: c.794C>G on transcript NM_022173.4 (MANE Select); coding-DNA position 794, C replaced by G.
Protein change: p.Ala265Gly; replaces alanine 265 with glycine.
Molecular consequence: missense variant. On other transcripts: non-coding transcript variant (17).
Genome position (GRCh38, 1-based): chr2:70,215,465, G>C on the plus strand (C>G on the coding strand, the complement: TIA1 is on the minus strand). VCF-style: chr2-70215465-G-C. GRCh37 (hg19) VCF-style: chr2-70442597-G-C.
Other names: c.794C>G, p.Ala265Gly (NM_001351508.2); c.767C>G, p.Ala256Gly (NM_001351509.2); c.761C>G, p.Ala254Gly (NM_001351510.2, NM_022037.4); c.683C>G, p.Ala228Gly (NM_001351511.1); c.656C>G, p.Ala219Gly (NM_001351512.1); c.650C>G, p.Ala217Gly (NM_001351513.1); c.566C>G, p.Ala189Gly (NM_001351514.2); c.491C>G, p.Ala164Gly (NM_001351515.2); and 1 more; short protein forms A164G, A254G, A265G, A219G, A228G, A125G, A189G, A217G.
Identifiers: ClinVar variation 4698687 (VCV004698687.1).
Genomic context (GRCh38, chr2:70,215,465, plus strand): 5'-TTGCCCCAATAGCATTTCACAACATGACCTTCAATGGTAGTACCATTAACAGAAACAATT[G>C]CATGTGCTGCACTTTCATGGGAATTGAACCTATTGAAAACAATATTAAGAATCACCAATA-3'
Protein context (NP_071505.2, residues 255-275): RFNSHESAAH[Ala265Gly]IVSVNGTTIE

ClinVar aggregate classification (germline): Uncertain significance (1 of 4 stars; one submission).

Conditions:
Welander distal myopathy (WDM). Also called: Gower's muscular dystrophy; MUSCULAR DYSTROPHY, DISTAL, LATE-ONSET, AUTOSOMAL DOMINANT; Welander distal myopathy, Swedish type; Distal myopathy, Swedish type. Identifiers: Orphanet 603, MedGen C0221054, MONDO:0011466, OMIM 604454.

Submission:

Labcorp Genetics (formerly Invitae), Labcorp
Classification: Uncertain significance for Welander distal myopathy. Last evaluated: 2025-10-02. Review status: criteria provided, single submitter. Criteria: Invitae Variant Classification Sherloc (09022015). Collection method: clinical testing. Allele origin: germline.
Comment: This sequence change replaces alanine, which is neutral and non-polar, with glycine, which is neutral and non-polar, at codon 265 of the TIA1 protein (p.Ala265Gly). This variant is present in population databases (rs776737972, gnomAD 0.007%). This variant has not been reported in the literature in individuals affected with TIA1-related conditions. Invitae Evidence Modeling of protein sequence and biophysical properties (such as structural, functional, and spatial information, amino acid conservation, physicochemical variation, residue mobility, and thermodynamic stability) indicates that this missense variant is not expected to disrupt TIA1 protein function with a negative predictive value of 80%. In summary, the available evidence is currently insufficient to determine the role of this variant in disease. Therefore, it has been classified as a Variant of Uncertain Significance.